The following is an entry in ClinVar:

ClinVar aggregate classification (germline): Benign/Likely benign. Review status: criteria provided, multiple submitters, no conflicts (2 of 4 stars). 4 submissions from 4 submitters: Benign (1); Likely benign (1). 2 of the submissions do not count toward it. Last evaluated 2025-11-23.

Conditions:
DMP1-related disorder. Also called: DMP1-related condition.

Submissions (4):

Labcorp Genetics (formerly Invitae), Labcorp
Classification: Benign. Last evaluated: 2025-11-23. Review status: criteria provided, single submitter. Criteria: Invitae Variant Classification Sherloc (09022015). Collection method: clinical testing. Allele origin: germline.

Blueprint Genetics
Classification: Likely benign. Last evaluated: 2024-10-25. Review status: criteria provided, single submitter. Criteria: ACMG Guidelines, 2015. Collection method: clinical testing. Allele origin: germline.

PreventionGenetics, part of Exact Sciences
Classification: Likely benign for DMP1-related condition. Last evaluated: 2020-07-10. Review status: no assertion criteria provided. Collection method: clinical testing. Allele origin: germline. Not counted in ClinVar's aggregate classification.
Comment: This variant is classified as likely benign based on ACMG/AMP sequence variant interpretation guidelines (Richards et al. 2015 PMID: 25741868, with internal and published modifications).

Department of Pathology and Laboratory Medicine, Sinai Health System
Classification: Likely benign. Review status: no assertion criteria provided. Collection method: clinical testing. Allele origin: unknown. Affected: yes. Study: The Canadian Open Genetics Repository (COGR). Not counted in ClinVar's aggregate classification.
Comment: The DMP1 p.Gly99del variant was not identified in the literature nor was it identified in ClinVar. The variant was identified in dbSNP (ID: rs576066727) and in control databases in 226 of 251432 chromosomes (3 homozygous) at a frequency of 0.0008989 increasing the likelihood this could be a low frequency benign variant (Genome Aggregation Database March 6, 2019, v2.1.1). The variant was observed in the following populations: South Asian in 206 of 30614 chromosomes (freq: 0.006729), Other in 3 of 6138 chromosomes (freq: 0.000489), European (non-Finnish) in 16 of 113750 chromosomes (freq: 0.000141) and Latino in 1 of 34590 chromosomes (freq: 0.000029), but was not observed in the African, Ashkenazi Jewish, East Asian, or European (Finnish) populations. This variant is an in-frame deletion resulting in the removal of a glycine (gly) residue at codon 99; the impact of this alteration on DMP1 protein function is not known. The variant occurs outside of the splicing consensus sequence and in silico or computational prediction software programs (SpliceSiteFinder, MaxEntScan, NNSPLICE, GeneSplicer) do not predict a difference in splicing. In summary, based on the above information the clinical significance of this variant cannot be determined with certainty at this time although we would lean towards a more benign role for this variant. This variant is classified as likely benign.

NM_004407.4(DMP1):c.293GAG[1] (p.Gly99del)

Genes: DMP1 (dentin matrix acidic phosphoprotein 1; plus strand), DMP1-AS1 (DMP1 and DSPP antisense RNA 1; minus strand). Cytogenetic location: 4q22.1.
Variant type: Microsatellite.
Coding change: c.293GAG[1] on transcript NM_004407.4 (MANE Select); one copy of the 3-base unit GAG starting at c.293; the reference has two copies in a row; one copy, 3 bases deleted.
Protein change: p.Gly99del; deletes glycine 99.
Molecular consequence: inframe deletion.
Genome position (GRCh38, 1-based): chr4:87,662,074-87,662,076, GAG deleted; deleting any 3 consecutive bases within chr4:87,662,069-87,662,076 gives the same sequence; the position shown is the placement nearest the transcript's 3' end. VCF-style (leftmost placement, unchanged base first): chr4-87662068-AAGG-A. GRCh37 (hg19) VCF-style: chr4-88583220-AAGG-A.
Other names: c.296_298delGAG (NM_004407.3); c.245GAG[1], p.Gly83del (NM_001079911.3); short protein forms G83del, G99del.
Identifiers: ClinVar variation 1049127 (VCV001049127.13), dbSNP rs576066727, ClinGen allele CA3002004.
Genomic context (GRCh38, chr4:87,662,068, plus strand): 5'-GCTCTGATGATCATCAATACATTTATAGGCTAGCTGGTGGCTTCTCCAGGAGCACAGGAA[AAGG>A]AGGAGATGATAAAGATGACGATGAAGATGACAGTGGAGATGACACCTTTGGTGACGATGA-3'